The following is an entry in ClinVar:

ClinVar aggregate classification (germline): Benign. Review status: criteria provided, multiple submitters, no conflicts (2 of 4 stars). 4 submissions from 4 submitters: Benign (3). 1 of the submissions does not count toward it. Last evaluated 2026-03-01.

Conditions:
DRD4-related disorder. Also called: DRD4-related condition.

Allele frequency attached by ClinVar (database versions not stated): ExAC below 0.00001; 1000 Genomes Project 0.00180; gnomAD exomes 0.00365; 1000 Genomes Project 30x 0.00406; TOPMed 0.00706; gnomAD 0.00886.
gnomAD v4.1: 15,314 of 1,263,252 alleles (1.2%); highest among the groups gnomAD compares: Non-Finnish European, 1.4%; 120 homozygotes.

Submissions (4):

CeGaT Center for Human Genetics Tuebingen
Classification: Benign. Last evaluated: 2026-03-01. Review status: criteria provided, single submitter. Criteria: CeGaT Center For Human Genetics Tuebingen Variant Classification Criteria Version 2. Collection method: clinical testing. Allele origin: germline. Affected: yes. Observed: 2 variant alleles.
Comment: DRD4: BS1, BS2

Labcorp Genetics (formerly Invitae), Labcorp
Classification: Benign. Last evaluated: 2018-09-03. Review status: criteria provided, single submitter. Criteria: Invitae Variant Classification Sherloc (09022015). Collection method: clinical testing. Allele origin: germline.

Breakthrough Genomics
Classification: Benign. Review status: criteria provided, single submitter. Criteria: ACMG Guidelines, 2015. Collection method: not provided. Allele origin: germline. Inheritance: Autosomal dominant inheritance. Affected: yes.

PreventionGenetics, part of Exact Sciences
Classification: Benign for DRD4-related condition. Last evaluated: 2019-07-09. Review status: no assertion criteria provided. Collection method: clinical testing. Allele origin: germline. Not counted in ClinVar's aggregate classification.
Comment: This variant is classified as benign based on ACMG/AMP sequence variant interpretation guidelines (Richards et al. 2015 PMID: 25741868, with internal and published modifications).

NM_000797.4(DRD4):c.31G>C (p.Gly11Arg)

Gene: DRD4 (dopamine receptor D4; plus strand). Cytogenetic location: 11p15.5.
Variant type: single nucleotide variant.
Coding change: c.31G>C on transcript NM_000797.4 (MANE Select); coding-DNA position 31, G replaced by C.
Protein change: p.Gly11Arg; replaces glycine 11 with arginine.
Molecular consequence: missense variant.
Genome position (GRCh38, 1-based): chr11:637,335, G>C. VCF-style: chr11-637335-G-C. GRCh37 (hg19) VCF-style: chr11-637335-G-C.
Other names: short protein forms G11R.
Identifiers: ClinVar variation 787592 (VCV000787592.29), dbSNP rs189482961, ClinGen allele CA5785521.